The following is an entry in ClinVar:

ClinVar aggregate classification (germline): Uncertain significance (1 of 4 stars; one submission).

Submission:

Labcorp Genetics (formerly Invitae), Labcorp
Classification: Uncertain significance. Last evaluated: 2022-10-13. Review status: criteria provided, single submitter. Criteria: Invitae Variant Classification Sherloc (09022015). Collection method: clinical testing. Allele origin: germline.
Comment: In summary, the available evidence is currently insufficient to determine the role of this variant in disease. Therefore, it has been classified as a Variant of Uncertain Significance. Experimental studies and prediction algorithms are not available or were not evaluated, and the functional significance of this variant is currently unknown. This variant has not been reported in the literature in individuals affected with ARMC9-related conditions. This variant is not present in population databases (gnomAD no frequency). This sequence change replaces aspartic acid, which is acidic and polar, with histidine, which is basic and polar, at codon 237 of the ARMC9 protein (p.Asp237His).

NM_001352754.2(ARMC9):c.709G>C (p.Asp237His)

Gene: ARMC9 (armadillo repeat containing 9; plus strand). Cytogenetic location: 2q37.1.
Variant type: single nucleotide variant.
Coding change: c.709G>C on transcript NM_001352754.2 (MANE Select); coding-DNA position 709, G replaced by C.
Protein change: p.Asp237His; replaces aspartic acid 237 with histidine.
Molecular consequence: missense variant. On other transcripts: non-coding transcript variant (1).
Genome position (GRCh38, 1-based): chr2:231,235,310, G>C. VCF-style: chr2-231235310-G-C. GRCh37 (hg19) VCF-style: chr2-232100023-G-C.
Other names: c.709G>C, p.Asp237His (NM_001271466.4, NM_001291656.2, NM_001352755.2 and 5 more transcripts); short protein forms D237H.
Identifiers: ClinVar variation 2087132 (VCV002087132.4), dbSNP rs779229688, ClinGen allele CA350951050.